The following is an entry in ClinVar:

NM_033100.4(CDHR1):c.184C>T (p.Pro62Ser)

Gene: CDHR1 (cadherin related family member 1; plus strand). Cytogenetic location: 10q23.1.
Variant type: single nucleotide variant.
Coding change: c.184C>T on transcript NM_033100.4 (MANE Select); coding-DNA position 184, C replaced by T.
Protein change: p.Pro62Ser; replaces proline 62 with serine.
Molecular consequence: missense variant.
Genome position (GRCh38, 1-based): chr10:84,196,537, C>T. VCF-style: chr10-84196537-C-T. GRCh37 (hg19) VCF-style: chr10-85956293-C-T.
Other names: c.184C>T, p.Pro62Ser (NM_001171971.3); short protein forms P62S.
Identifiers: ClinVar variation 1469097 (VCV001469097.8), dbSNP rs766492451, ClinGen allele CA5579459.

ClinVar aggregate classification (germline): Uncertain significance (1 of 4 stars; one submission).

Allele frequency attached by ClinVar (database versions not stated): gnomAD 0.00001; gnomAD exomes 0.00001; ExAC 0.00002.
gnomAD v4.1: 11 of 1,614,062 alleles (0.00068%); highest among the groups gnomAD compares: Non-Finnish European, 0.00093%; no homozygotes.

Submission:

Labcorp Genetics (formerly Invitae), Labcorp
Classification: Uncertain significance. Last evaluated: 2023-08-17. Review status: criteria provided, single submitter. Criteria: Invitae Variant Classification Sherloc (09022015). Collection method: clinical testing. Allele origin: germline.
Comment: In summary, the available evidence is currently insufficient to determine the role of this variant in disease. Therefore, it has been classified as a Variant of Uncertain Significance. Advanced modeling of protein sequence and biophysical properties (such as structural, functional, and spatial information, amino acid conservation, physicochemical variation, residue mobility, and thermodynamic stability) performed at Invitae indicates that this missense variant is not expected to disrupt CDHR1 protein function. ClinVar contains an entry for this variant (Variation ID: 1469097). This sequence change replaces proline, which is neutral and non-polar, with serine, which is neutral and polar, at codon 62 of the CDHR1 protein (p.Pro62Ser). This variant is present in population databases (rs766492451, gnomAD 0.002%). This variant has not been reported in the literature in individuals affected with CDHR1-related conditions.